The following is an entry in ClinVar:

ClinVar aggregate classification (germline): Uncertain significance (1 of 4 stars; one submission).

Conditions:
Luscan-Lumish syndrome. Identifiers: Orphanet 597738, MedGen C4085873, MONDO:0014791, OMIM 616831.

Allele frequency attached by ClinVar (database versions not stated): ExAC 0.00001; gnomAD 0.00003; TOPMed 0.00003.
gnomAD v4.1: 25 of 1,613,938 alleles (0.0015%); highest among the groups gnomAD compares: East Asian, 0.0045%; no homozygotes.

Submission:

Labcorp Genetics (formerly Invitae), Labcorp
Classification: Uncertain significance for Luscan-Lumish syndrome. Last evaluated: 2024-05-15. Review status: criteria provided, single submitter. Criteria: Invitae Variant Classification Sherloc (09022015). Collection method: clinical testing. Allele origin: germline.
Comment: This sequence change replaces asparagine, which is neutral and polar, with serine, which is neutral and polar, at codon 535 of the SETD2 protein (p.Asn535Ser). This variant is present in population databases (rs756943490, gnomAD 0.01%). This variant has not been reported in the literature in individuals affected with SETD2-related conditions. Advanced modeling of protein sequence and biophysical properties (such as structural, functional, and spatial information, amino acid conservation, physicochemical variation, residue mobility, and thermodynamic stability) performed at Invitae indicates that this missense variant is not expected to disrupt SETD2 protein function with a negative predictive value of 80%. In summary, the available evidence is currently insufficient to determine the role of this variant in disease. Therefore, it has been classified as a Variant of Uncertain Significance.

NM_014159.7(SETD2):c.1604A>G (p.Asn535Ser)

Gene: SETD2 (SET domain containing 2, histone lysine methyltransferase; minus strand). Cytogenetic location: 3p21.31.
Variant type: single nucleotide variant.
Coding change: c.1604A>G on transcript NM_014159.7 (MANE Select); coding-DNA position 1604, A replaced by G.
Protein change: p.Asn535Ser; replaces asparagine 535 with serine.
Molecular consequence: missense variant. On other transcripts: non-coding transcript variant (1).
Genome position (GRCh38, 1-based): chr3:47,123,032, T>C on the plus strand (A>G on the coding strand, the complement: SETD2 is on the minus strand). VCF-style: chr3-47123032-T-C. GRCh37 (hg19) VCF-style: chr3-47164522-T-C.
Other names: c.1472A>G, p.Asn491Ser (NM_001349370.3); short protein forms N535S, N491S.
Identifiers: ClinVar variation 3022314 (VCV003022314.3), dbSNP rs756943490, ClinGen allele CA2363663.